The following is an entry in ClinVar:

ClinVar aggregate classification (germline): Likely pathogenic (1 of 4 stars; one submission).

Conditions:
X-linked Alport syndrome (ATS1). Also called: NEPHROPATHY AND DEAFNESS, X-LINKED; COL4A5-Related Nephropathy. Identifiers: Orphanet 63, Orphanet 88917, MedGen C4746986, MONDO:0010520, OMIM 301050.

Submission:

Myriad Genetics, Inc.
Classification: Likely pathogenic for X-linked Alport syndrome. Last evaluated: 2021-12-30. Review status: criteria provided, single submitter. Criteria: Myriad Women's Health Autosomal Recessive and X-Linked Classification Criteria (2021). Collection method: clinical testing. Allele origin: unknown.
Comment: NM_000495.4(COL4A5):c.295_296delGG(G99Ifs*58) is expected to be pathogenic in the context of X-linked Alport syndrome. This variant is predicted to lead to an abnormal or absent protein product due to the creation of a premature termination codon in COL4A5, a gene where loss-of-function variants are known to be pathogenic. Please note: this variant was assessed in the context of healthy population screening.

NM_033380.3(COL4A5):c.295_296del (p.Gly99fs)

Gene: COL4A5 (collagen type IV alpha 5 chain; plus strand). Cytogenetic location: Xq22.3.
Variant type: Deletion.
Coding change: c.295_296del on transcript NM_033380.3 (MANE Select); coding-DNA positions 295 to 296, 2 bases deleted (GG; older notation c.295_296delGG).
Protein change: p.Gly99fs; shifts the reading frame from glycine 99.
Molecular consequence: frameshift variant.
Genome position (GRCh38, 1-based): chrX:108,568,647-108,568,648, GG deleted. VCF-style (leftmost placement, unchanged base first): chrX-108568646-TGG-T. GRCh37 (hg19) VCF-style: chrX-107811876-TGG-T.
Other names: c.295_296del, p.Gly99fs (NM_000495.5); short protein forms G99fs.
Identifiers: ClinVar variation 1726654 (VCV001726654.2), dbSNP rs2524195963, ClinGen allele CA2580100239.
Genomic context (GRCh38, chrX:108,568,646, plus strand): 5'-TATGGGTTGTCATTTAGTTTAAGGATTTTATTTCTTCTTATAGGGTCCTCCTGGACTTCC[TGG>T]ATTTCCAGGGACACCAGGTCTTCCTGTAAGTAGCATTTCACTTTTTACTTTGAAATCTCT-3'